The following is an entry in ClinVar:

NM_000642.3(AGL):c.2269_2270insACTGTCTCTTATAC (p.Ser757fs)

Gene: AGL (amylo-alpha-1,6-glucosidase and 4-alpha-glucanotransferase; plus strand). Cytogenetic location: 1p21.2.
Variant type: Insertion.
Coding change: c.2269_2270insACTGTCTCTTATAC on transcript NM_000642.3 (MANE Select); coding-DNA positions 2269 to 2270, ACTGTCTCTTATAC inserted.
Protein change: p.Ser757fs; shifts the reading frame from serine 757.
Molecular consequence: frameshift variant.
Genome position: GRCh38 VCF-style: chr1-99881652-T-TACTGTCTCTTATAC. GRCh37 (hg19) VCF-style: chr1-100347208-T-TACTGTCTCTTATAC.
Other names: c.2269_2270insACTGTCTCTTATAC, p.Ser757fs (NM_000028.3, NM_000643.3, NM_000644.3 and 2 more transcripts); c.2221_2222insACTGTCTCTTATAC, p.Ser741fs (NM_000646.3); c.2068_2069insACTGTCTCTTATAC, p.Ser690fs (NM_001425327.1); c.2065_2066insACTGTCTCTTATAC, p.Ser689fs (NM_001425328.1, NM_001425329.1); c.1891_1892insACTGTCTCTTATAC, p.Ser631fs (NM_001425332.1); short protein forms S631fs, S689fs, S690fs, S741fs, S757fs.
Identifiers: ClinVar variation 5011517 (VCV005011517.1).

ClinVar aggregate classification (germline): Pathogenic (1 of 4 stars; one submission).

Conditions:
Glycogen storage disease type III (GSD3). Also called: FORBES DISEASE; Cori disease. Identifiers: Orphanet 366, MedGen C0017922, MONDO:0009291, OMIM 232400.

Submission:

Myriad Genetics, Inc.
Classification: Pathogenic for Glycogen storage disease type III. Last evaluated: 2023-09-02. Review status: criteria provided, single submitter. Criteria: Myriad Autosomal Dominant, Autosomal Recessive and X-Linked Classification Criteria (2023). Collection method: clinical testing. Allele origin: unknown.
Comment: NM_000642.2(AGL):c.2269_2270ins14(S757Yfs*24) is expected to be pathogenic in the context of glycogen storage disease type III. This variant is predicted to lead to an abnormal or absent protein product due to the creation of a premature termination codon in AGL, a gene where loss-of-function variants are known to be pathogenic. Please note: this variant was assessed in the context of healthy population screening.